The following is an entry in ClinVar:

NM_005257.6(GATA6):c.1114G>A (p.Val372Met)

Gene: GATA6 (GATA binding protein 6; plus strand). Cytogenetic location: 18q11.2.
Variant type: single nucleotide variant.
Coding change: c.1114G>A on transcript NM_005257.6 (MANE Select); coding-DNA position 1114, G replaced by A.
Protein change: p.Val372Met; replaces valine 372 with methionine.
Molecular consequence: missense variant.
Genome position (GRCh38, 1-based): chr18:22,172,258, G>A. VCF-style: chr18-22172258-G-A. GRCh37 (hg19) VCF-style: chr18-19752219-G-A.
Other names: short protein forms V372M.
Identifiers: ClinVar variation 1425507 (VCV001425507.8), dbSNP rs1243661585, ClinGen allele CA401801835.

ClinVar aggregate classification (germline): Uncertain significance (1 of 4 stars; one submission).

Conditions:
Atrioventricular septal defect 5 (AVSD5). Identifiers: MedGen C3280939, MONDO:0013769, OMIM 614474.

Allele frequency attached by ClinVar (database versions not stated): gnomAD exomes below 0.00001; TOPMed below 0.00001; gnomAD 0.00001.
gnomAD v4.1: 7 of 1,533,324 alleles (0.00046%); highest among the groups gnomAD compares: Non-Finnish European, 0.00061%; no homozygotes.

Submission:

Labcorp Genetics (formerly Invitae), Labcorp
Classification: Uncertain significance for Atrioventricular septal defect 5. Last evaluated: 2025-08-05. Review status: criteria provided, single submitter. Criteria: Invitae Variant Classification Sherloc (09022015). Collection method: clinical testing. Allele origin: germline.
Comment: This sequence change replaces valine, which is neutral and non-polar, with methionine, which is neutral and non-polar, at codon 372 of the GATA6 protein (p.Val372Met). This variant is not present in population databases (gnomAD no frequency). This variant has not been reported in the literature in individuals affected with GATA6-related conditions. ClinVar contains an entry for this variant (Variation ID: 1425507). Invitae Evidence Modeling of protein sequence and biophysical properties (such as structural, functional, and spatial information, amino acid conservation, physicochemical variation, residue mobility, and thermodynamic stability) indicates that this missense variant is not expected to disrupt GATA6 protein function with a negative predictive value of 80%. In summary, the available evidence is currently insufficient to determine the role of this variant in disease. Therefore, it has been classified as a Variant of Uncertain Significance.